The following is an entry in ClinVar:

NM_152703.5(SAMD9L):c.2694A>C (p.Glu898Asp)

Gene: SAMD9L (sterile alpha motif domain containing 9 like; minus strand). Cytogenetic location: 7q21.2.
Variant type: single nucleotide variant.
Coding change: c.2694A>C on transcript NM_152703.5 (MANE Select); coding-DNA position 2694, A replaced by C.
Protein change: p.Glu898Asp; replaces glutamic acid 898 with aspartic acid.
Molecular consequence: missense variant.
Genome position (GRCh38, 1-based): chr7:93,133,278, T>G on the plus strand (A>C on the coding strand, the complement: SAMD9L is on the minus strand). VCF-style: chr7-93133278-T-G. GRCh37 (hg19) VCF-style: chr7-92762591-T-G.
Other names: c.2694A>C, p.Glu898Asp (NM_001303496.3, NM_001303497.3, NM_001303498.3 and 5 more transcripts); c.2694A>C (NM_152703.2); short protein forms E898D.
Identifiers: ClinVar variation 1719451 (VCV001719451.6), dbSNP rs1449637066, ClinGen allele CA368186609.

ClinVar aggregate classification (germline): Uncertain significance. Review status: criteria provided, multiple submitters, no conflicts (2 of 4 stars). 2 submissions from 2 submitters: Uncertain significance (2). Last evaluated 2025-03-22.

Conditions:
Inborn genetic diseases. Identifiers: MedGen C0950123, MeSH D030342.

Allele frequency attached by ClinVar (database versions not stated): gnomAD exomes below 0.00001; gnomAD 0.00001; TOPMed 0.00001.
gnomAD v4.1: 3 of 1,612,534 alleles (0.00019%); highest among the groups gnomAD compares: Non-Finnish European, 0.00025%; no homozygotes.

Submissions (2):

Ambry Genetics
Classification: Uncertain significance for Inborn genetic diseases. Last evaluated: 2025-03-22. Review status: criteria provided, single submitter. Criteria: Ambry Variant Classification Scheme 2023. Collection method: clinical testing. Allele origin: germline.
Comment: The p.E898D variant (also known as c.2694A>C), located in coding exon 1 of the SAMD9L gene, results from an A to C substitution at nucleotide position 2694. The glutamic acid at codon 898 is replaced by aspartic acid, an amino acid with highly similar properties. This amino acid position is conserved. In addition, this alteration is predicted to be tolerated by in silico analysis. Based on the available evidence, the clinical significance of this variant remains unclear.

Labcorp Genetics (formerly Invitae), Labcorp
Classification: Uncertain significance. Last evaluated: 2022-09-25. Review status: criteria provided, single submitter. Criteria: Invitae Variant Classification Sherloc (09022015). Collection method: clinical testing. Allele origin: germline.
Comment: This variant is not present in population databases (gnomAD no frequency). This variant has not been reported in the literature in individuals affected with SAMD9L-related conditions. Advanced modeling of protein sequence and biophysical properties (such as structural, functional, and spatial information, amino acid conservation, physicochemical variation, residue mobility, and thermodynamic stability) performed at Invitae indicates that this missense variant is not expected to disrupt SAMD9L protein function. In summary, the available evidence is currently insufficient to determine the role of this variant in disease. Therefore, it has been classified as a Variant of Uncertain Significance. This sequence change replaces glutamic acid, which is acidic and polar, with aspartic acid, which is acidic and polar, at codon 898 of the SAMD9L protein (p.Glu898Asp).